The following is an entry in ClinVar:

ClinVar aggregate classification (germline): Benign/Likely benign. Review status: criteria provided, multiple submitters, no conflicts (2 of 4 stars). 7 submissions from 7 submitters: Benign (5); Likely benign (1). 1 of the submissions does not count toward it. Last evaluated 2026-02-01.

Conditions:
Charcot-Marie-Tooth disease type 2. Also called: Charcot-Marie-Tooth type 2. Identifiers: Orphanet 64746, MedGen C0270914, MONDO:0018993.
Charcot-Marie-Tooth disease axonal type 2N (CMT2N). Also called: CHARCOT-MARIE-TOOTH DISEASE, AXONAL, AUTOSOMAL DOMINANT, TYPE 2N; CHARCOT-MARIE-TOOTH NEUROPATHY, AXONAL, TYPE 2N; Charcot-Marie-Tooth Neuropathy Type 2N. Identifiers: Orphanet 228174, MedGen C2750090, MONDO:0013212, OMIM 613287.
AARS1-related disorder. Also called: AARS1-related condition.

Allele frequency attached by ClinVar (database versions not stated): gnomAD exomes 0.00141 and 0.00049; gnomAD 0.00568 and 0.00546; 1000 Genomes Project 30x 0.00718; ExAC 0.00176; ESP Exome Variant Server 0.00569; TOPMed 0.00636; 1000 Genomes Project 0.00619.
gnomAD v4.1: 1,599 of 1,614,064 alleles (0.099%); highest among the groups gnomAD compares: African/African-American, 1.8%; 21 homozygotes.

Submissions (7):

Labcorp Genetics (formerly Invitae), Labcorp
Classification: Benign for Charcot-Marie-Tooth disease type 2. Last evaluated: 2026-02-01. Review status: criteria provided, single submitter. Criteria: Invitae Variant Classification Sherloc (09022015). Collection method: clinical testing. Allele origin: germline.

ARUP Laboratories, Molecular Genetics and Genomics, ARUP Laboratories
Classification: Benign. Last evaluated: 2023-09-21. Review status: criteria provided, single submitter. Criteria: ARUP Molecular Germline Variant Investigation Process 2024. Collection method: clinical testing. Allele origin: germline.

GeneDx
Classification: Benign. Last evaluated: 2019-07-01. Review status: criteria provided, single submitter. Criteria: GeneDx Variant Classification Process June 2021. Collection method: clinical testing. Allele origin: germline. Affected: yes.

Illumina Laboratory Services, Illumina
Classification: Benign for Charcot-Marie-Tooth disease axonal type 2N. Last evaluated: 2018-01-12. Review status: criteria provided, single submitter. Criteria: ICSL Variant Classification Criteria 13 December 2019. Collection method: clinical testing. Allele origin: germline.
Comment: This variant was observed in the ICSL laboratory as part of a predisposition screen in an ostensibly healthy population. It had not been previously curated by ICSL or reported in the Human Gene Mutation Database (HGMD: prior to June 1st, 2018), and was therefore a candidate for classification through an automated scoring system. Utilizing variant allele frequency, disease prevalence and penetrance estimates, and inheritance mode, an automated score was calculated to assess if this variant is too frequent to cause the disease. Based on the score and internal cut-off values, a variant classified as benign is not then subjected to further curation. The score for this variant resulted in a classification of benign for this disease.

Center for Pediatric Genomic Medicine, Children's Mercy Hospital and Clinics
Classification: Likely benign. Last evaluated: 2017-08-31. Review status: criteria provided, single submitter. Criteria: ACMG Guidelines, 2015. Collection method: clinical testing. Allele origin: germline.

Mayo Clinic Laboratories, Mayo Clinic
Classification: Benign. Last evaluated: 2016-12-30. Review status: criteria provided, single submitter. Criteria: ACMG Guidelines, 2015. Collection method: clinical testing. Allele origin: germline. Observed: 1 variant allele.

PreventionGenetics, part of Exact Sciences
Classification: Benign for AARS1-related condition. Last evaluated: 2023-10-31. Review status: no assertion criteria provided. Collection method: clinical testing. Allele origin: germline. Not counted in ClinVar's aggregate classification.
Comment: This variant is classified as benign based on ACMG/AMP sequence variant interpretation guidelines (Richards et al. 2015 PMID: 25741868, with internal and published modifications).

NM_001605.3(AARS1):c.64G>A (p.Glu22Lys)

Gene: AARS1 (alanyl-tRNA synthetase 1; minus strand). Cytogenetic location: 16q22.1.
Variant type: single nucleotide variant.
Coding change: c.64G>A on transcript NM_001605.3 (MANE Select); coding-DNA position 64, G replaced by A.
Protein change: p.Glu22Lys; replaces glutamic acid 22 with lysine.
Molecular consequence: missense variant.
Genome position (GRCh38, 1-based): chr16:70,282,700, C>T on the plus strand (G>A on the coding strand, the complement: AARS1 is on the minus strand). VCF-style: chr16-70282700-C-T. GRCh37 (hg19) VCF-style: chr16-70316603-C-T.
Other names: p.Glu22Lys; short protein forms E22K.
Identifiers: ClinVar variation 320356 (VCV000320356.25), dbSNP rs151091410, ClinGen allele CA8141237.
Genomic context (GRCh38, chr16:70,282,700, plus strand): 5'-CAAAGAGCAAAGTGGGGTCATCCAATGGGATGGTGGCAGACGAGTGAACATACGTATGCT[C>T]GTTCCTCTTGAAGAAATCTATAAATCGCTGCCGGATTTCACTTGCTGTTAGAGTAGAGTC-3'
Protein context (NP_001596.2, residues 12-32): QRFIDFFKRN[Glu22Lys]HTYVHSSATI